The following is an entry in ClinVar:

ClinVar aggregate classification (germline): Uncertain significance. Review status: criteria provided, multiple submitters, no conflicts (2 of 4 stars). 4 submissions from 4 submitters: Uncertain significance (4). Last evaluated 2026-02-04.

Conditions:
Hereditary cancer-predisposing syndrome. Also called: Neoplastic Syndromes, Hereditary; Tumor predisposition; Hereditary neoplastic syndrome; Hereditary Cancer Syndrome. Identifiers: Orphanet 140162, MedGen C0027672, MeSH D009386, MONDO:0015356.
Neuroblastoma, susceptibility to, 3. Also called: ALK-Related Neuroblastic Tumor Susceptibility. Identifiers: Orphanet 635, MedGen C2751681, MONDO:0013083, OMIM 613014.

Allele frequency attached by ClinVar (database versions not stated): gnomAD exomes 0.00004.
gnomAD v4.1: 26 of 1,613,798 alleles (0.0016%); highest among the groups gnomAD compares: East Asian, 0.058%; no homozygotes.

Submissions (4):

Labcorp Genetics (formerly Invitae), Labcorp
Classification: Uncertain significance for Neuroblastoma, susceptibility to, 3. Last evaluated: 2026-02-04. Review status: criteria provided, single submitter. Criteria: Invitae Variant Classification Sherloc (09022015). Collection method: clinical testing. Allele origin: germline.
Comment: This sequence change replaces glycine, which is neutral and non-polar, with serine, which is neutral and polar, at codon 318 of the ALK protein (p.Gly318Ser). This variant is not present in population databases (gnomAD no frequency). This variant has not been reported in the literature in individuals affected with ALK-related conditions. ClinVar contains an entry for this variant (Variation ID: 239851). An algorithm developed to predict the effect of missense changes on protein structure and function (PolyPhen-2) suggests that this variant is likely to be disruptive. In summary, the available evidence is currently insufficient to determine the role of this variant in disease. Therefore, it has been classified as a Variant of Uncertain Significance.

Ambry Genetics
Classification: Uncertain significance for Hereditary cancer-predisposing syndrome. Last evaluated: 2025-04-02. Review status: criteria provided, single submitter. Criteria: Ambry Variant Classification Scheme 2023. Collection method: clinical testing. Allele origin: germline.
Comment: The p.G318S variant (also known as c.952G>A), located in coding exon 3 of the ALK gene, results from a G to A substitution at nucleotide position 952. The amino acid change results in glycine to serine at codon 318, an amino acid with similar properties. However, this change occurs in the last base pair of coding exon 3, which makes it likely to have some effect on normal mRNA splicing. The nucleotide and amino acid positions are highly conserved in available vertebrate species. In silico splice site analysis for this alteration is inconclusive. In addition, as a missense substitution the in silico prediction for this alteration is inconclusive. Based on the available evidence, the clinical significance of this variant remains unclear.

Baylor Genetics
Classification: Uncertain significance for Neuroblastoma, susceptibility to, 3. Last evaluated: 2023-10-24. Review status: criteria provided, single submitter. Criteria: ACMG Guidelines, 2015. Collection method: clinical testing. Allele origin: unknown.

GeneDx
Classification: Uncertain significance. Last evaluated: 2023-07-10. Review status: criteria provided, single submitter. Criteria: GeneDx Variant Classification Process June 2021. Collection method: clinical testing. Allele origin: germline. Affected: yes.
Comment: Not observed at significant frequency in large population cohorts (gnomAD); In silico analysis supports that this missense variant does not alter protein structure/function; Has not been previously published as pathogenic or benign to our knowledge

NM_004304.5(ALK):c.952G>A (p.Gly318Ser)

Gene: ALK (ALK receptor tyrosine kinase; minus strand). Cytogenetic location: 2p23.2.
Variant type: single nucleotide variant.
Coding change: c.952G>A on transcript NM_004304.5 (MANE Select); coding-DNA position 952, G replaced by A.
Protein change: p.Gly318Ser; replaces glycine 318 with serine.
Molecular consequence: missense variant.
Genome position (GRCh38, 1-based): chr2:29,694,850, C>T on the plus strand (G>A on the coding strand, the complement: ALK is on the minus strand). VCF-style: chr2-29694850-C-T. GRCh37 (hg19) VCF-style: chr2-29917716-C-T.
Other names: short protein forms G318S.
Identifiers: ClinVar variation 239851 (VCV000239851.9), dbSNP rs878854661, ClinGen allele CA10581964.